The following is an entry in ClinVar:

ClinVar aggregate classification (germline): Uncertain significance. Review status: criteria provided, multiple submitters, no conflicts (2 of 4 stars). 2 submissions from 2 submitters: Uncertain significance (2). Last evaluated 2025-09-02.

Conditions:
Arrhythmogenic cardiomyopathy with wooly hair and keratoderma. Also called: Dilated cardiomyopathy with woolly hair and keratoderma; PALMOPLANTAR KERATODERMA WITH LEFT VENTRICULAR CARDIOMYOPATHY AND WOOLLY HAIR; Carvajal syndrome; Arrhythmogenic cardiomyopathy with woolly hair and keratoderma. Identifiers: Orphanet 65282, MedGen C1854063, MONDO:0011581, OMIM 605676.
Arrhythmogenic right ventricular dysplasia 8 (ARVD8). Also called: Arrhythmogenic Right Ventricular Dysplasia/Cardiomyopathy 8; ARRHYTHMOGENIC RIGHT VENTRICULAR DYSPLASIA, FAMILIAL, 8; ARRHYTHMOGENIC RIGHT VENTRICULAR CARDIOMYOPATHY 8. Identifiers: MedGen C1843896, MONDO:0011831, OMIM 607450.

gnomAD v4.1: 2 of 1,614,194 alleles (0.00012%); highest among the groups gnomAD compares: Non-Finnish European, 0.00017%; no homozygotes.

Submissions (2):

Women's Health and Genetics/Laboratory Corporation of America, LabCorp
Classification: Uncertain significance. Last evaluated: 2025-09-02. Review status: criteria provided, single submitter. Criteria: LabCorp Variant Classification Summary - May 2015. Collection method: clinical testing. Allele origin: germline.

Labcorp Genetics (formerly Invitae), Labcorp
Classification: Uncertain significance for Arrhythmogenic cardiomyopathy with wooly hair and keratoderma; Arrhythmogenic right ventricular dysplasia 8. Last evaluated: 2024-08-28. Review status: criteria provided, single submitter. Criteria: Invitae Variant Classification Sherloc (09022015). Collection method: clinical testing. Allele origin: germline.
Comment: This sequence change replaces serine, which is neutral and polar, with phenylalanine, which is neutral and non-polar, at codon 2784 of the DSP protein (p.Ser2784Phe). This variant is not present in population databases (gnomAD no frequency). This variant has not been reported in the literature in individuals affected with DSP-related conditions. An algorithm developed to predict the effect of missense changes on protein structure and function (PolyPhen-2) suggests that this variant is likely to be disruptive. In summary, the available evidence is currently insufficient to determine the role of this variant in disease. Therefore, it has been classified as a Variant of Uncertain Significance.

NM_004415.4(DSP):c.8351C>T (p.Ser2784Phe)

Gene: DSP (desmoplakin; plus strand). Cytogenetic location: 6p24.3.
Variant type: single nucleotide variant.
Coding change: c.8351C>T on transcript NM_004415.4 (MANE Select); coding-DNA position 8351, C replaced by T.
Protein change: p.Ser2784Phe; replaces serine 2784 with phenylalanine.
Molecular consequence: missense variant.
Genome position (GRCh38, 1-based): chr6:7,585,613, C>T. VCF-style: chr6-7585613-C-T. GRCh37 (hg19) VCF-style: chr6-7585846-C-T.
Other names: c.6554C>T, p.Ser2185Phe (NM_001008844.3); c.7022C>T, p.Ser2341Phe (NM_001319034.2); short protein forms S2185F, S2341F, S2784F.
Identifiers: ClinVar variation 3753034 (VCV003753034.3).